The following is an entry in ClinVar:

ClinVar aggregate classification (germline): Uncertain significance (1 of 4 stars; one submission).

Allele frequency attached by ClinVar (database versions not stated): gnomAD exomes below 0.00001; gnomAD 0.00001; TOPMed 0.00001; ExAC 0.00002.

Submission:

Labcorp Genetics (formerly Invitae), Labcorp
Classification: Uncertain significance. Last evaluated: 2020-12-05. Review status: criteria provided, single submitter. Criteria: Invitae Variant Classification Sherloc (09022015). Collection method: clinical testing. Allele origin: germline.
Comment: This variant has not been reported in the literature in individuals with CABP4-related conditions. In summary, the available evidence is currently insufficient to determine the role of this variant in disease. Therefore, it has been classified as a Variant of Uncertain Significance. Advanced modeling of protein sequence and biophysical properties (such as structural, functional, and spatial information, amino acid conservation, physicochemical variation, residue mobility, and thermodynamic stability) performed at Invitae indicates that this missense variant is expected to disrupt CABP4 protein function. This variant is present in population databases (rs776838525, ExAC 0.01%). This sequence change replaces leucine with proline at codon 193 of the CABP4 protein (p.Leu193Pro). The leucine residue is highly conserved and there is a moderate physicochemical difference between leucine and proline.

NM_145200.5(CABP4):c.578T>C (p.Leu193Pro)

Gene: CABP4 (calcium binding protein 4; plus strand). Cytogenetic location: 11q13.2.
Variant type: single nucleotide variant.
Coding change: c.578T>C on transcript NM_145200.5 (MANE Select); coding-DNA position 578, T replaced by C.
Protein change: p.Leu193Pro; replaces leucine 193 with proline.
Molecular consequence: missense variant. On other transcripts: non-coding transcript variant (1).
Genome position (GRCh38, 1-based): chr11:67,457,609, T>C. VCF-style: chr11-67457609-T-C. GRCh37 (hg19) VCF-style: chr11-67225080-T-C.
Other names: c.263T>C, p.Leu88Pro (NM_001379183.1, NM_001300895.3, NM_001300896.3); short protein forms L193P, L88P.
Identifiers: ClinVar variation 1491617 (VCV001491617.8), dbSNP rs776838525, ClinGen allele CA6140283.